The following is an entry in ClinVar:

NM_012463.4(ATP6V0A2):c.1994T>A (p.Leu665Ter)

Gene: ATP6V0A2 (ATPase H+ transporting V0 subunit a2; plus strand). Cytogenetic location: 12q24.31.
Variant type: single nucleotide variant.
Coding change: c.1994T>A on transcript NM_012463.4 (MANE Select); coding-DNA position 1994, T replaced by A.
Protein change: p.Leu665Ter; replaces leucine 665 with a stop codon.
Molecular consequence: nonsense.
Genome position (GRCh38, 1-based): chr12:123,751,168, T>A. VCF-style: chr12-123751168-T-A. GRCh37 (hg19) VCF-style: chr12-124235715-T-A.
Other names: short protein forms L665*.
Identifiers: ClinVar variation 2840813 (VCV002840813.4), dbSNP rs1956710372, ClinGen allele CA387162988.

ClinVar aggregate classification (germline): Pathogenic. Review status: criteria provided, single submitter (1 of 4 stars). 2 submissions from 2 submitters: Pathogenic (1). 1 of the submissions does not count toward it. Last evaluated 2023-02-25.

Conditions:
ALG9 congenital disorder of glycosylation (CDG1L). Also called: CDG Il; CONGENITAL DISORDER OF GLYCOSYLATION, TYPE Il; ALG9-CDG. Identifiers: Orphanet 79328, MedGen C2931006, MONDO:0012117, OMIM 608776.

Allele frequency attached by ClinVar (database versions not stated): gnomAD exomes below 0.00001; TOPMed below 0.00001; gnomAD 0.00001.
gnomAD v4.1: 3 of 1,614,066 alleles (0.00019%); highest among the groups gnomAD compares: Non-Finnish European, 0.00025%; no homozygotes.

Submissions (2):

Labcorp Genetics (formerly Invitae), Labcorp
Classification: Pathogenic for ALG9 congenital disorder of glycosylation. Last evaluated: 2023-02-25. Review status: criteria provided, single submitter. Criteria: Invitae Variant Classification Sherloc (09022015). Collection method: clinical testing. Allele origin: germline.
Comment: For these reasons, this variant has been classified as Pathogenic. Algorithms developed to predict the effect of sequence changes on RNA splicing suggest that this variant may disrupt the consensus splice site. This variant has not been reported in the literature in individuals affected with ATP6V0A2-related conditions. This variant is not present in population databases (gnomAD no frequency). This sequence change creates a premature translational stop signal (p.Leu665*) in the ATP6V0A2 gene. It is expected to result in an absent or disrupted protein product. Loss-of-function variants in ATP6V0A2 are known to be pathogenic (PMID: 18157129, 19321599).

Diagnostics Centre, Carl Von Ossietzky University Oldenburg
Classification: Likely pathogenic. Last evaluated: 2025-06-05. Review status: no assertion criteria provided. Collection method: clinical testing. Allele origin: germline. Affected: yes. Observed: 1 variant allele. Not counted in ClinVar's aggregate classification.
Comment: The variant ATP6V0A2:c.1994T>A p.(Leu665Ter), located in the exon 16 of the ATP6V0A2 gene results from a thymine-to-adenine substitution at nucleotide position c.1994. The leucine residue at protein position 665 is replaced by a premature stop codon. The variant affects an exon [16/20] present in a biologically relevant transcript and is predicted to cause protein truncation/absent due to nonsense mediated decay, in a gene where loss-of-function is a known mechanism of disease. The variant has been classified as pathogenic in one entry in Clinvar (VCV002840813.3). The variant is classified as rare in the general population (MAF 6.1 * e-6 in gnomAD). In summary, the variant is classified as Likely pathogenic.

Literature cited by the submitters: PubMed 18157129 (cited by Labcorp Genetics (formerly Invitae), Labcorp); PubMed 19321599 (cited by Labcorp Genetics (formerly Invitae), Labcorp).